The following is an entry in ClinVar:

ClinVar aggregate classification (germline): Uncertain significance (1 of 4 stars; one submission).

Conditions:
Aortic aneurysm, familial thoracic 7 (AAT7). Also called: AORTIC DISSECTION, FAMILIAL, WITH OR WITHOUT AORTIC ANEURYSM. Identifiers: MedGen C3151077, MONDO:0013418, OMIM 613780.

Submission:

Labcorp Genetics (formerly Invitae), Labcorp
Classification: Uncertain significance for Aortic aneurysm, familial thoracic 7. Last evaluated: 2024-04-06. Review status: criteria provided, single submitter. Criteria: Invitae Variant Classification Sherloc (09022015). Collection method: clinical testing. Allele origin: germline.
Comment: This sequence change replaces alanine, which is neutral and non-polar, with threonine, which is neutral and polar, at codon 993 of the MYLK protein (p.Ala993Thr). This variant is not present in population databases (gnomAD no frequency). This variant has not been reported in the literature in individuals affected with MYLK-related conditions. Advanced modeling of protein sequence and biophysical properties (such as structural, functional, and spatial information, amino acid conservation, physicochemical variation, residue mobility, and thermodynamic stability) performed at Invitae indicates that this missense variant is not expected to disrupt MYLK protein function with a negative predictive value of 80%. In summary, the available evidence is currently insufficient to determine the role of this variant in disease. Therefore, it has been classified as a Variant of Uncertain Significance.

NM_053025.4(MYLK):c.2977G>A (p.Ala993Thr)

Gene: MYLK (myosin light chain kinase; minus strand). Cytogenetic location: 3q21.1.
Variant type: single nucleotide variant.
Coding change: c.2977G>A on transcript NM_053025.4 (MANE Select); coding-DNA position 2977, G replaced by A.
Protein change: p.Ala993Thr; replaces alanine 993 with threonine.
Molecular consequence: missense variant.
Genome position (GRCh38, 1-based): chr3:123,700,491, C>T on the plus strand (G>A on the coding strand, the complement: MYLK is on the minus strand). VCF-style: chr3-123700491-C-T. GRCh37 (hg19) VCF-style: chr3-123419338-C-T.
Other names: c.2449G>A, p.Ala817Thr (NM_001321309.2); c.2770G>A, p.Ala924Thr (NM_053026.4, NM_053028.4); c.2977G>A, p.Ala993Thr (NM_053027.4); short protein forms A817T, A993T, A924T.
Identifiers: ClinVar variation 3683154 (VCV003683154.2).